The following is an entry in ClinVar:

NM_007294.4(BRCA1):c.3627A>C (p.Leu1209Phe)

Genes: BRCA1 (BRCA1 DNA repair associated; minus strand), LOC126862571 (BRD4-independent group 4 enhancer GRCh37_chr17:41243136-41244335; plus strand). Cytogenetic location: 17q21.31.
Variant type: single nucleotide variant.
Coding change: c.3627A>C on transcript NM_007294.4 (MANE Select); coding-DNA position 3627, A replaced by C.
Protein change: p.Leu1209Phe; replaces leucine 1209 with phenylalanine.
Molecular consequence: missense variant. On other transcripts: intron variant (135).
Genome position (GRCh38, 1-based): chr17:43,091,904, T>G on the plus strand (A>C on the coding strand, the complement: BRCA1 is on the minus strand). VCF-style: chr17-43091904-T-G. GRCh37 (hg19) VCF-style: chr17-41243921-T-G.
Other names: c.3501A>C, p.Leu1167Phe (NM_001407940.1, NM_001407941.1, NM_001407685.1 and 11 more transcripts); c.3486A>C, p.Leu1162Phe (NM_001407942.1, NM_001407944.1, NM_001407945.1 and 29 more transcripts); c.3483A>C, p.Leu1161Phe (NM_001407943.1, NM_001407740.1, NM_001407741.1 and 20 more transcripts); c.3294A>C, p.Leu1098Phe (NM_001407946.1, NM_001407947.1, NM_001407948.1 and 6 more transcripts); c.3291A>C, p.Leu1097Phe (NM_001407954.1, NM_001407955.1, NM_001407956.1 and 1 more transcripts); c.3246A>C, p.Leu1082Phe (NM_001407959.1, NM_001407960.1, NM_001407963.1); c.3243A>C, p.Leu1081Phe (NM_001407962.1); c.653-872A>C (NM_001408451.1); and 41 more; short protein forms L1041F, L1097F, L1141F, L1162F, L1182F, L1098F, L1120F, L1121F.
Identifiers: ClinVar variation 4824199 (VCV004824199.1).

ClinVar aggregate classification (germline): Uncertain significance (1 of 4 stars; one submission).

Conditions:
Hereditary cancer-predisposing syndrome. Also called: Neoplastic Syndromes, Hereditary; Hereditary neoplastic syndrome; Tumor predisposition; Hereditary Cancer Syndrome. Identifiers: Orphanet 140162, MedGen C0027672, MeSH D009386, MONDO:0015356.

Submission:

Ambry Genetics
Classification: Uncertain significance for Hereditary cancer-predisposing syndrome. Last evaluated: 2026-02-11. Review status: criteria provided, single submitter. Criteria: Ambry Variant Classification Scheme 2023. Collection method: clinical testing. Allele origin: germline.
Comment: The p.L1209F variant (also known as c.3627A>C), located in coding exon 9 of the BRCA1 gene, results from an A to C substitution at nucleotide position 3627. The leucine at codon 1209 is replaced by phenylalanine, an amino acid with highly similar properties. This amino acid position is highly conserved in available vertebrate species. In addition, the in silico prediction for this alteration is inconclusive. Based on the available evidence, the clinical significance of this variant remains unclear.